The following is an entry in ClinVar:

NM_004168.4(SDHA):c.1918G>C (p.Glu640Gln)

Gene: SDHA (succinate dehydrogenase complex flavoprotein subunit A; plus strand). Cytogenetic location: 5p15.33.
Variant type: single nucleotide variant.
Coding change: c.1918G>C on transcript NM_004168.4 (MANE Select); coding-DNA position 1918, G replaced by C.
Protein change: p.Glu640Gln; replaces glutamic acid 640 with glutamine.
Molecular consequence: missense variant.
Genome position (GRCh38, 1-based): chr5:256,343, G>C. VCF-style: chr5-256343-G-C. GRCh37 (hg19) VCF-style: chr5-256458-G-C.
Other names: c.1774G>C, p.Glu592Gln (NM_001294332.2); c.1675G>C, p.Glu559Gln (NM_001330758.2); short protein forms E592Q, E559Q, E640Q.
Identifiers: ClinVar variation 2940761 (VCV002940761.3), dbSNP rs2477488867, ClinGen allele CA359002627.

ClinVar aggregate classification (germline): Uncertain significance (1 of 4 stars; one submission).

Conditions:
Mitochondrial complex II deficiency, nuclear type 1. Also called: SUCCINATE CoQ REDUCTASE DEFICIENCY. Identifiers: Orphanet 3208, MedGen C5700310, MONDO:0100294, OMIM 252011.
Pheochromocytoma/paraganglioma syndrome 5. Also called: Paragangliomas 5; SDHA-Related Hereditary Paraganglioma-Pheochromocytoma Syndrome. Identifiers: Orphanet 29072, MedGen C3279992, MONDO:0013602, OMIM 614165.

Submission:

Labcorp Genetics (formerly Invitae), Labcorp
Classification: Uncertain significance for Pheochromocytoma/paraganglioma syndrome 5; Mitochondrial complex II deficiency, nuclear type 1. Last evaluated: 2023-09-03. Review status: criteria provided, single submitter. Criteria: Invitae Variant Classification Sherloc (09022015). Collection method: clinical testing. Allele origin: germline.
Comment: This variant is not present in population databases (gnomAD no frequency). In summary, the available evidence is currently insufficient to determine the role of this variant in disease. Therefore, it has been classified as a Variant of Uncertain Significance. Advanced modeling of protein sequence and biophysical properties (such as structural, functional, and spatial information, amino acid conservation, physicochemical variation, residue mobility, and thermodynamic stability) performed at Invitae indicates that this missense variant is not expected to disrupt SDHA protein function. This variant has not been reported in the literature in individuals affected with SDHA-related conditions. This sequence change replaces glutamic acid, which is acidic and polar, with glutamine, which is neutral and polar, at codon 640 of the SDHA protein (p.Glu640Gln).